The following is an entry in ClinVar:

ClinVar aggregate classification (germline): Likely pathogenic. Review status: criteria provided, multiple submitters, no conflicts (2 of 4 stars). 2 submissions from 2 submitters: Likely pathogenic (2). Last evaluated 2024-06-18.

Conditions:
Jeune thoracic dystrophy. Also called: Jeune syndrome; Infantile thoracic dystrophy; Thoracic pelvic phalangeal dystrophy; Jeune's syndrome; Chondroectodermal dysplasia-like syndrome; Short-rib thoracic dysplasia. Identifiers: Orphanet 474, MedGen C0265275, MONDO:0018770.
Asphyxiating thoracic dystrophy 3. Also called: Saldino-Noonan Syndrome; SHORT-RIB THORACIC DYSPLASIA 3 WITH OR WITHOUT POLYDACTYLY; POLYDACTYLY WITH NEONATAL CHONDRODYSTROPHY, TYPE I; SHORT-RIB THORACIC DYSPLASIA 3/6 WITH POLYDACTYLY, DIGENIC; Short rib polydactyly syndrome 2B. Identifiers: Orphanet 474, Orphanet 93269, Orphanet 93270, Orphanet 93271, MedGen C0036069, MONDO:0013127, OMIM 613091.

Allele frequency attached by ClinVar (database versions not stated): TOPMed below 0.00001; gnomAD exomes 0.00001; ExAC 0.00002; gnomAD 0.00002.
gnomAD v4.1: 13 of 1,602,060 alleles (0.00081%); highest among the groups gnomAD compares: Admixed American, 0.0017%; no homozygotes.

Submissions (2):

Fulgent Genetics
Classification: Likely pathogenic for Asphyxiating thoracic dystrophy 3. Last evaluated: 2024-06-18. Review status: criteria provided, single submitter. Criteria: ACMG Guidelines, 2015. Collection method: clinical testing. Allele origin: germline.

Labcorp Genetics (formerly Invitae), Labcorp
Classification: Likely pathogenic for Jeune thoracic dystrophy. Last evaluated: 2023-11-17. Review status: criteria provided, single submitter. Criteria: Invitae Variant Classification Sherloc (09022015). Collection method: clinical testing. Allele origin: germline.
Comment: This sequence change affects a donor splice site in intron 40 of the DYNC2H1 gene. It is expected to disrupt RNA splicing. Variants that disrupt the donor or acceptor splice site typically lead to a loss of protein function (PMID: 16199547), and loss-of-function variants in DYNC2H1 are known to be pathogenic (PMID: 23339108, 32753734, 33755199). The frequency data for this variant in the population databases is considered unreliable, as metrics indicate poor data quality at this position in the gnomAD database. This variant has not been reported in the literature in individuals affected with DYNC2H1-related conditions. Algorithms developed to predict the effect of sequence changes on RNA splicing suggest that this variant may disrupt the consensus splice site. In summary, the currently available evidence indicates that the variant is pathogenic, but additional data are needed to prove that conclusively. Therefore, this variant has been classified as Likely Pathogenic.

Literature cited by the submitters: PubMed 16199547 (cited by Labcorp Genetics (formerly Invitae), Labcorp); PubMed 23339108 (cited by Labcorp Genetics (formerly Invitae), Labcorp); PubMed 32753734 (cited by Labcorp Genetics (formerly Invitae), Labcorp); PubMed 33755199 (cited by Labcorp Genetics (formerly Invitae), Labcorp).

NM_001377.3(DYNC2H1):c.6477+1G>A

Gene: DYNC2H1 (dynein cytoplasmic 2 heavy chain 1; plus strand). Cytogenetic location: 11q22.3.
Variant type: single nucleotide variant.
Coding change: c.6477+1G>A on transcript NM_001377.3 (MANE Select); the canonical splice donor site of the intron after coding-DNA position 6477, G replaced by A.
Molecular consequence: splice donor variant.
Genome position (GRCh38, 1-based): chr11:103,181,887, G>A. VCF-style: chr11-103181887-G-A. GRCh37 (hg19) VCF-style: chr11-103052616-G-A.
Other names: c.6477+1G>A (NM_001080463.2).
Identifiers: ClinVar variation 3013116 (VCV003013116.4), dbSNP rs756313208, ClinGen allele CA6253972.